The following is an entry in ClinVar:

NM_001136191.3(KANK2):c.1486C>T (p.Arg496Trp)

Gene: KANK2 (KN motif and ankyrin repeat domains 2; minus strand). Cytogenetic location: 19p13.2.
Variant type: single nucleotide variant.
Coding change: c.1486C>T on transcript NM_001136191.3 (MANE Select); coding-DNA position 1486, C replaced by T.
Protein change: p.Arg496Trp; replaces arginine 496 with tryptophan.
Molecular consequence: missense variant.
Genome position (GRCh38, 1-based): chr19:11,178,379, G>A on the plus strand (C>T on the coding strand, the complement: KANK2 is on the minus strand). VCF-style: chr19-11178379-G-A. GRCh37 (hg19) VCF-style: chr19-11289055-G-A.
Other names: c.1486C>T, p.Arg496Trp (NM_001329451.2, NM_001379555.1, NM_001379556.1 and 7 more transcripts); c.1510C>T, p.Arg504Trp (NM_001379548.1, NM_001379549.1, NM_001379550.1 and 5 more transcripts); short protein forms R496W, R504W.
Identifiers: ClinVar variation 2178333 (VCV002178333.4), dbSNP rs767166133, ClinGen allele CA9205654.

ClinVar aggregate classification (germline): Uncertain significance (1 of 4 stars; one submission).

Allele frequency attached by ClinVar (database versions not stated): TOPMed below 0.00001; gnomAD exomes 0.00001; ExAC 0.00002.
gnomAD v4.1: 13 of 1,538,932 alleles (0.00084%); highest among the groups gnomAD compares: South Asian, 0.0025%; no homozygotes.

Submission:

Labcorp Genetics (formerly Invitae), Labcorp
Classification: Uncertain significance. Last evaluated: 2022-07-19. Review status: criteria provided, single submitter. Criteria: Invitae Variant Classification Sherloc (09022015). Collection method: clinical testing. Allele origin: germline.
Comment: In summary, the available evidence is currently insufficient to determine the role of this variant in disease. Therefore, it has been classified as a Variant of Uncertain Significance. Algorithms developed to predict the effect of missense changes on protein structure and function are either unavailable or do not agree on the potential impact of this missense change (SIFT: "Deleterious"; PolyPhen-2: "Possibly Damaging"; Align-GVGD: "Class C0"). This variant has not been reported in the literature in individuals affected with KANK2-related conditions. The frequency data for this variant in the population databases is considered unreliable, as metrics indicate poor data quality at this position in the gnomAD database. This sequence change replaces arginine, which is basic and polar, with tryptophan, which is neutral and slightly polar, at codon 496 of the KANK2 protein (p.Arg496Trp).